The following is an entry in ClinVar:

ClinVar aggregate classification (germline): Pathogenic/Likely pathogenic. Review status: criteria provided, multiple submitters, no conflicts (2 of 4 stars). 7 submissions from 7 submitters: Pathogenic (4); Likely pathogenic (2). 1 of the submissions does not count toward it. Last evaluated 2024-02-14.

Conditions:
Hereditary cancer-predisposing syndrome. Also called: Tumor predisposition; Hereditary Cancer Syndrome; Hereditary neoplastic syndrome; Neoplastic Syndromes, Hereditary. Identifiers: Orphanet 140162, MedGen C0027672, MeSH D009386, MONDO:0015356.
Microcephaly, normal intelligence and immunodeficiency (NBS). Also called: Microcephaly with normal intelligence immunodeficiency and lymphoreticular malignancies; Nonsyndromal microcephaly autosomal recessive with normal intelligence; Seemanova syndrome 2; SEEMANOVA SYNDROME II; Ataxia telangiectasia variant V1; Immunodeficiency, microcephaly with normal intelligence. Identifiers: Orphanet 647, MedGen C0398791, MONDO:0009623, OMIM 251260.
Aplastic anemia. Identifiers: Orphanet 182040, Orphanet 88, MedGen C0002874, MONDO:0015909, OMIM 609135, HP:0001915.

Submissions (7):

Labcorp Genetics (formerly Invitae), Labcorp
Classification: Pathogenic for Microcephaly, normal intelligence and immunodeficiency. Last evaluated: 2024-02-14. Review status: criteria provided, single submitter. Criteria: Invitae Variant Classification Sherloc (09022015). Collection method: clinical testing. Allele origin: germline.
Comment: This sequence change creates a premature translational stop signal (p.Glu658Aspfs*6) in the NBN gene. It is expected to result in an absent or disrupted protein product. Loss-of-function variants in NBN are known to be pathogenic (PMID: 9590180, 16415040). This variant is not present in population databases (gnomAD no frequency). This variant has not been reported in the literature in individuals affected with NBN-related conditions. ClinVar contains an entry for this variant (Variation ID: 370663). For these reasons, this variant has been classified as Pathogenic.

Baylor Genetics
Classification: Likely pathogenic for Aplastic anemia. Last evaluated: 2024-01-03. Review status: criteria provided, single submitter. Criteria: ACMG Guidelines, 2015. Collection method: clinical testing. Allele origin: unknown.

Genome-Nilou Lab
Classification: Pathogenic for Microcephaly, normal intelligence and immunodeficiency. Last evaluated: 2021-11-07. Review status: criteria provided, single submitter. Criteria: ACMG Guidelines, 2015. Collection method: clinical testing. Allele origin: germline. Affected: no.

GeneDx
Classification: Likely pathogenic. Last evaluated: 2021-10-26. Review status: criteria provided, single submitter. Criteria: GeneDx Variant Classification Process June 2021. Collection method: clinical testing. Allele origin: germline. Affected: yes.
Comment: Frameshift variant predicted to result in protein truncation or nonsense mediated decay in a gene for which loss-of-function is a known mechanism of disease; Not observed in large population cohorts (Lek et al., 2016); Has not been previously published as pathogenic or benign to our knowledge

Ambry Genetics
Classification: Pathogenic for Hereditary cancer-predisposing syndrome. Last evaluated: 2021-09-20. Review status: criteria provided, single submitter. Criteria: Ambry Variant Classification Scheme 2023. Collection method: clinical testing. Allele origin: germline.
Comment: The c.1974delA pathogenic mutation, located in coding exon 13 of the NBN gene, results from a deletion of one nucleotide at nucleotide position 1974, causing a translational frameshift with a predicted alternate stop codon (p.E658Dfs*6). This variant is considered to be rare based on population cohorts in the Genome Aggregation Database (gnomAD). This alteration is expected to result in loss of function by premature protein truncation or nonsense-mediated mRNA decay. As such, this alteration is interpreted as a disease-causing mutation.

Genetic Services Laboratory, University of Chicago
Classification: Pathogenic for Nijmegen breakage syndrome. Last evaluated: 2017-05-23. Review status: criteria provided, single submitter. Criteria: ACMG Guidelines, 2015. Collection method: clinical testing. Allele origin: germline. Affected: yes.

Counsyl
Classification: Likely pathogenic for Microcephaly, normal intelligence and immunodeficiency. Last evaluated: 2016-03-17. Review status: no assertion criteria provided. Collection method: clinical testing. Allele origin: unknown. Not counted in ClinVar's aggregate classification.

Literature cited by the submitters: PubMed 9590180 (cited by Labcorp Genetics (formerly Invitae), Labcorp); PubMed 16415040 (cited by Labcorp Genetics (formerly Invitae), Labcorp).

NM_002485.5(NBN):c.1974del (p.Glu658fs)

Gene: NBN (nibrin; minus strand). Cytogenetic location: 8q21.3.
Variant type: Deletion.
Coding change: c.1974del on transcript NM_002485.5 (MANE Select); coding-DNA position 1974, one base deleted (A; older notation c.1974delA).
Protein change: p.Glu658fs; shifts the reading frame from glutamic acid 658.
Molecular consequence: frameshift variant.
Genome position (GRCh38, 1-based): chr8:89,946,236, T deleted on the plus strand (A on the coding strand, the reverse complement: NBN is on the minus strand); the first of 2 consecutive T bases (chr8:89,946,236-89,946,237); deleting either gives the same sequence. VCF-style (leftmost placement, unchanged base first): chr8-89946235-AT-A. GRCh37 (hg19) VCF-style: chr8-90958463-AT-A.
Other names: c.1974delA (NM_002485.4); c.1728del, p.Glu576fs (NM_001024688.3); short protein forms E576fs.
Identifiers: ClinVar variation 370663 (VCV000370663.31), dbSNP rs1057516668, ClinGen allele CA16041204.
Genomic context (GRCh38, chr8:89,946,235, plus strand): 5'-AATCATCATTTATGCCAGATGGATTTCTGGAAGTAGAGTTTTTAATCACCAGTGATCTAA[AT>A]TCAGTCAATAACAGCTTTTTTGGAAGCATCTCACTATCATCCTGAAGTTTGTCATTGTTC-3'